The following is an entry in ClinVar:

ClinVar aggregate classification (germline): Likely pathogenic (1 of 4 stars; one submission).

Submission:

CeGaT Center for Human Genetics Tuebingen
Classification: Likely pathogenic. Last evaluated: 2026-07-01. Review status: criteria provided, single submitter. Criteria: CeGaT Center For Human Genetics Tuebingen Variant Classification Criteria Version 2. Collection method: clinical testing. Allele origin: germline. Affected: yes. Observed: 2 variant alleles.
Comment: GYG1: PM3:Strong, PM2, PVS1:Moderate

NM_004130.4(GYG1):c.996_1005del (p.Asp331_Tyr332insTer)

Gene: GYG1 (glycogenin 1; plus strand). Cytogenetic location: 3q24.
Variant type: Deletion.
Coding change: c.996_1005del on transcript NM_004130.4 (MANE Select); coding-DNA positions 996 to 1005, 10 bases deleted (TATGGGAGCA; older notation c.996_1005delTATGGGAGCA).
Protein change: p.Asp331_Tyr332insTer.
Molecular consequence: nonsense. On other transcripts: frameshift variant (1).
Genome position (GRCh38, 1-based): chr3:149,026,876-149,026,885, TATGGGAGCA deleted; deleting any 10 consecutive bases within chr3:149,026,875-149,026,885 gives the same sequence; the c. name uses the placement nearest the transcript's 3' end. VCF-style (leftmost placement, unchanged base first): chr3-149026874-TATATGGGAGC-T. GRCh37 (hg19) VCF-style: chr3-148744661-TATATGGGAGC-T.
Other names: c.945_954del, p.Asp314_Tyr315insTer (NM_001184720.2); c.725_734del, p.Ile242fs (NM_001184721.2); short protein forms I242fs.
Identifiers: ClinVar variation 4084914 (VCV004084914.8).